The following is an entry in ClinVar:

NM_025179.4(PLXNA2):c.492G>T (p.Lys164Asn)

Gene: PLXNA2 (plexin A2; minus strand). Cytogenetic location: 1q32.2.
Variant type: single nucleotide variant.
Coding change: c.492G>T on transcript NM_025179.4 (MANE Select); coding-DNA position 492, G replaced by T.
Protein change: p.Lys164Asn; replaces lysine 164 with asparagine.
Molecular consequence: missense variant.
Genome position (GRCh38, 1-based): chr1:208,217,431, C>A on the plus strand (G>T on the coding strand, the complement: PLXNA2 is on the minus strand). VCF-style: chr1-208217431-C-A. GRCh37 (hg19) VCF-style: chr1-208390776-C-A.
Other names: short protein forms K164N.
Identifiers: ClinVar variation 3351976 (VCV003351976.1).

ClinVar aggregate classification (germline): Uncertain significance (0 of 4 stars; one submission).

Conditions:
PLXNA2-related disorder. Also called: PLXNA2-related condition.

gnomAD v4.1: 9 of 1,614,064 alleles (0.00056%); highest among the groups gnomAD compares: Non-Finnish European, 0.00076%; no homozygotes.

Submission:

PreventionGenetics, part of Exact Sciences
Classification: Uncertain significance for PLXNA2-related condition. Last evaluated: 2024-04-22. Review status: no assertion criteria provided. Collection method: clinical testing. Allele origin: germline.
Comment: The PLXNA2 c.492G>T variant is predicted to result in the amino acid substitution p.Lys164Asn. To our knowledge, this variant has not been reported in the literature or in a large population database, indicating this variant is rare. At this time, the clinical significance of this variant is uncertain due to the absence of conclusive functional and genetic evidence.